The following is an entry in ClinVar:

NM_001080449.3(DNA2):c.910G>A (p.Glu304Lys)

Gene: DNA2 (DNA replication helicase/nuclease 2; minus strand). Cytogenetic location: 10q21.3.
Variant type: single nucleotide variant.
Coding change: c.910G>A on transcript NM_001080449.3 (MANE Select); coding-DNA position 910, G replaced by A.
Protein change: p.Glu304Lys; replaces glutamic acid 304 with lysine.
Molecular consequence: missense variant. On other transcripts: non-coding transcript variant (1).
Genome position (GRCh38, 1-based): chr10:68,450,057, C>T on the plus strand (G>A on the coding strand, the complement: DNA2 is on the minus strand). VCF-style: chr10-68450057-C-T. GRCh37 (hg19) VCF-style: chr10-70209814-C-T.
Other names: short protein forms E304K.
Identifiers: ClinVar variation 2111628 (VCV002111628.4), dbSNP rs2493972843, ClinGen allele CA376863593.

ClinVar aggregate classification (germline): Uncertain significance (1 of 4 stars; one submission).

Submission:

Labcorp Genetics (formerly Invitae), Labcorp
Classification: Uncertain significance. Last evaluated: 2024-09-18. Review status: criteria provided, single submitter. Criteria: Invitae Variant Classification Sherloc (09022015). Collection method: clinical testing. Allele origin: germline.
Comment: This sequence change replaces glutamic acid, which is acidic and polar, with lysine, which is basic and polar, at codon 304 of the DNA2 protein (p.Glu304Lys). This variant is not present in population databases (gnomAD no frequency). This variant has not been reported in the literature in individuals affected with DNA2-related conditions. ClinVar contains an entry for this variant (Variation ID: 2111628). Invitae Evidence Modeling of protein sequence and biophysical properties (such as structural, functional, and spatial information, amino acid conservation, physicochemical variation, residue mobility, and thermodynamic stability) indicates that this missense variant is expected to disrupt DNA2 protein function with a positive predictive value of 80%. In summary, the available evidence is currently insufficient to determine the role of this variant in disease. Therefore, it has been classified as a Variant of Uncertain Significance.